The following is an entry in ClinVar:

NM_001394014.1(CDC42BPA):c.3095G>A (p.Arg1032His)

Gene: CDC42BPA (CDC42 binding protein kinase alpha; minus strand). Cytogenetic location: 1q42.13.
Variant type: single nucleotide variant.
Coding change: c.3095G>A on transcript NM_001394014.1 (MANE Select); coding-DNA position 3095, G replaced by A.
Protein change: p.Arg1032His; replaces arginine 1032 with histidine.
Molecular consequence: missense variant.
Genome position (GRCh38, 1-based): chr1:227,040,235, C>T on the plus strand (G>A on the coding strand, the complement: CDC42BPA is on the minus strand). VCF-style: chr1-227040235-C-T. GRCh37 (hg19) VCF-style: chr1-227227936-C-T.
Other names: c.2906G>A, p.Arg969His (NM_001366010.2); c.2930G>A, p.Arg977His (NM_001366011.1); c.3029G>A, p.Arg1010His (NM_001366019.2); c.3182G>A, p.Arg1061His (NM_001387550.1); c.2990G>A, p.Arg997His (NM_003607.4); c.2747G>A, p.Arg916His (NM_014826.5); short protein forms R1010H, R1032H, R1061H, R916H, R969H, R977H, R997H.
Identifiers: ClinVar variation 2639979 (VCV002639979.24), dbSNP rs140416725, ClinGen allele CA1426407.
Genomic context (GRCh38, chr1:227,040,235, plus strand): 5'-GTACACTGATGACACTTGGTAGGAGTAGTAAAAGATTTTACAAAAAACTGGTGAGTCTTG[C>T]GCTGCAAAACAAATTGATAAAAAAACACACAGATTGTTTAAAAGATTTCCATAATGTGAG-3'
Protein context (NP_001380943.1, residues 1022-1042): CPGSTGFPPK[Arg1032His]KTHQFFVKSF

ClinVar aggregate classification (germline): Likely benign (1 of 4 stars; one submission).

Allele frequency attached by ClinVar (database versions not stated): ESP Exome Variant Server 0.00008; TOPMed 0.00011; gnomAD 0.00030; ExAC 0.00122; 1000 Genomes Project 30x 0.00250; 1000 Genomes Project 0.00300.
gnomAD v4.1: 760 of 1,585,448 alleles (0.048%); highest among the groups gnomAD compares: South Asian, 0.74%; 9 homozygotes.

Submission:

CeGaT Center for Human Genetics Tuebingen
Classification: Likely benign. Last evaluated: 2023-03-01. Review status: criteria provided, single submitter. Criteria: CeGaT Center For Human Genetics Tuebingen Variant Classification Criteria Version 2. Collection method: clinical testing. Allele origin: germline. Affected: yes. Observed: 1 variant allele.
Comment: CDC42BPA: BP4, BS2